The following is an entry in ClinVar:

NM_004304.5(ALK):c.3507_3509del (p.Ile1171del)

Gene: ALK (ALK receptor tyrosine kinase; minus strand). Cytogenetic location: 2p23.2.
Variant type: Deletion.
Coding change: c.3507_3509del on transcript NM_004304.5 (MANE Select); coding-DNA positions 3507 to 3509, 3 bases deleted (GAT; older notation c.3507_3509delGAT).
Protein change: p.Ile1171del; deletes isoleucine 1171.
Molecular consequence: inframe deletion.
Genome position (GRCh38, 1-based): chr2:29,222,350-29,222,352, ATC deleted on the plus strand (GAT on the coding strand, the reverse complement: ALK is on the minus strand); deleting any 3 consecutive bases within chr2:29,222,350-29,222,353 gives the same sequence; the c. name uses the placement nearest the transcript's 3' end. VCF-style (leftmost placement, unchanged base first): chr2-29222349-GATC-G. GRCh37 (hg19) VCF-style: chr2-29445215-GATC-G.
Other names: c.303_305del, p.Ile103del (NM_001353765.2); short protein forms I103del, I1171del.
Identifiers: ClinVar variation 2866039 (VCV002866039.3), dbSNP rs759189006, ClinGen allele CA1593920.

ClinVar aggregate classification (germline): Uncertain significance (1 of 4 stars; one submission).

Conditions:
Neuroblastoma, susceptibility to, 3. Also called: ALK-Related Neuroblastic Tumor Susceptibility. Identifiers: Orphanet 635, MedGen C2751681, MONDO:0013083, OMIM 613014.

Submission:

Labcorp Genetics (formerly Invitae), Labcorp
Classification: Uncertain significance for Neuroblastoma, susceptibility to, 3. Last evaluated: 2023-05-20. Review status: criteria provided, single submitter. Criteria: Invitae Variant Classification Sherloc (09022015). Collection method: clinical testing. Allele origin: germline.
Comment: Experimental studies and prediction algorithms are not available or were not evaluated, and the functional significance of this variant is currently unknown. This variant has not been reported in the literature in individuals affected with ALK-related conditions. This variant is present in population databases (rs759189006, gnomAD 0.0009%). This variant, c.3507_3509del, results in the deletion of 1 amino acid(s) of the ALK protein (p.Ile1171del), but otherwise preserves the integrity of the reading frame. In summary, the available evidence is currently insufficient to determine the role of this variant in disease. Therefore, it has been classified as a Variant of Uncertain Significance.